The following continues an entry in ClinVar:

NM_000059.4(BRCA2):c.7447A>G (p.Ser2483Gly)

Gene: BRCA2. ClinVar aggregate classification (germline): Uncertain significance. Uncertain significance (11).

Submissions 7 to 14 of 14:

Ambry Genetics
Classification: Uncertain significance for Hereditary cancer-predisposing syndrome. Last evaluated: 2024-06-25. Review status: criteria provided, single submitter. Criteria: Ambry Variant Classification Scheme 2023. Collection method: clinical testing. Allele origin: germline.
Comment: The p.S2483G variant (also known as c.7447A>G), located in coding exon 14 of the BRCA2 gene, results from an A to G substitution at nucleotide position 7447. The serine at codon 2483 is replaced by glycine, an amino acid with similar properties. This variant has been reported in high risk breast cancer families and a high risk breast and ovarian cancer family (Osorio A et al. Int. J. Cancer. 2002 May;99:305-9; Weber F et al. Am. J. Hum. Genet. 2006 Jun;78:961-72; Men&eacute;ndez M et al. Breast Cancer Res. Treat. 2012 Apr;132:979-92; D&iacute;ez O et al. Hum. Mutat. 2003 Oct;22:301-12). One study found that this alteration results in incomplete use of this cryptic acceptor site, producing a transcript with the predicted in-frame deletion of 12 nucleotides in coding exon 14 (Fraile-Bethencourt E et al. Front Genet. 2019 May;10:503). However, other studies have found that this alteration does not result in a significant amount of aberrant splicing (Ambry internal data, Men&eacute;ndez M et al. Breast Cancer Res. Treat. 2012 Apr;132:979-92). This amino acid position is poorly conserved in available vertebrate species. In addition, this amino acid change is predicted to be tolerated by in silico analysis. Based on the available evidence, the clinical significance of this variant remains unclear.

Baylor Genetics
Classification: Uncertain significance for Familial cancer of breast. Last evaluated: 2024-03-05. Review status: criteria provided, single submitter. Criteria: ACMG Guidelines, 2015. Collection method: clinical testing. Allele origin: unknown.

All of Us Research Program, National Institutes of Health
Classification: Uncertain significance for Breast-ovarian cancer, familial, susceptibility to, 2. Last evaluated: 2023-08-15. Review status: criteria provided, single submitter. Criteria: ACMG Guidelines, 2015. Collection method: clinical testing. Allele origin: germline. Inheritance: Autosomal dominant inheritance. Observed: 3 variant alleles, 3 heterozygotes.
Comment: This missense variant replaces serine with glycine at codon 2483 of the BRCA2 protein. Computational prediction suggests that this variant may not impact protein structure and function (internally defined REVEL score threshold <= 0.5, PMID: 27666373). A functional study has reported that this variant does not impact BRCA2 function in Brca2-deficient mouse embryonic stem cells (PMID: 33293522). A RNA study reported that this variant resulted in 10% of transcripts with an in-frame partial deletion of exon 15 (resulting in the protein change Asp2479_Ser2483delinsGly). This variant has been reported in individuals affected with breast or ovarian cancer (PMID: 11979449, 12955716, 16685647, 21735045), an individual with breast/ovarian cancer or Lynch syndrome (PMID: 32522261) and an unaffected individual (PMID: 33471991; Leiden Open Variation Database DB-ID BRCA2_000190). This variant has been identified in 4/251306 chromosomes in the general population by the Genome Aggregation Database (gnomAD). The available evidence is insufficient to determine the role of this variant in disease conclusively. Therefore, this variant is classified as a Variant of Uncertain Significance.

This study involves interpretation of variants in research participants for the purpose of population health screening. Participant phenotype was not available at the time of variant classification. Additional details can be found in publication PMID: 35346344, PMCID: PMC8962531

Quest Diagnostics Nichols Institute San Juan Capistrano
Classification: Uncertain significance. Last evaluated: 2023-06-14. Review status: criteria provided, single submitter. Criteria: Quest Diagnostics criteria. Collection method: clinical testing. Allele origin: unknown.
Comment: In the published literature, this variant has been reported in individuals with breast and/or ovarian cancer or Lynch syndrome (PMIDs: 11979449 (2002), 12955716 (2003), 16685647 (2006), 21735045 (2012), and 32522261 (2020)) and in an individual with Esophageal squamous carcinoma (PMID: 31396961 (2020)). Functional studies using cell survival and drug sensitivity assays showed that the variant is likely functional (PMID: 33293522 (2020)). In addition, other experimental studies reported that this variant resulted in only 10% of transcripts with an in-frame partial deletion of exon 15 while most of transcripts (90%) were full length (PMIDs: 31343793 (2019) and 31191615 (2019)). The frequency of this variant in the general population, 0.000087 (3/34572 chromosomes (Genome Aggregation Database)), is uninformative in the assessment of its pathogenicity. Analysis of this variant using bioinformatics tools for the prediction of the effect of amino acid changes on protein structure and function yielded predictions that this variant is benign. Based on the available information, we are unable to determine the clinical significance of this variant.

Fulgent Genetics
Classification: Uncertain significance for Familial cancer of breast; Medulloblastoma; Familial prostate cancer; Wilms tumor 1; Fanconi anemia complementation group D1; Breast-ovarian cancer, familial, susceptibility to, 2; Glioma susceptibility 3; Pancreatic cancer, susceptibility to, 2. Last evaluated: 2018-10-31. Review status: criteria provided, single submitter. Criteria: ACMG Guidelines, 2015. Collection method: clinical testing. Allele origin: unknown.

BRCAlab, Lund University
Classification: Uncertain significance for Breast-ovarian cancer, familial, susceptibility to, 2. Last evaluated: 2020-03-02. Review status: no assertion criteria provided. Collection method: clinical testing. Allele origin: germline. Affected: yes. Not counted in ClinVar's aggregate classification.

Hereditary Cancer Genetics group, Vall d'Hebron Institute of Oncology
Classification: Uncertain significance for Hereditary breast and ovarian cancer syndrome. Last evaluated: 2019-03-01. Review status: no assertion criteria provided. Collection method: research. Allele origin: germline. Affected: yes. Not counted in ClinVar's aggregate classification.

Breast Cancer Information Core (BIC) (BRCA2)
Classification: Uncertain significance for Breast-ovarian cancer, familial 2. Review status: no assertion criteria provided. Collection method: clinical testing. Allele origin: germline. Affected: yes. Observed: 2 variant alleles. Not counted in ClinVar's aggregate classification.

Literature cited by the submitters: PubMed 11979449 (cited by 6 submitters); PubMed 12955716 (cited by 6 submitters); PubMed 21735045 (cited by 6 submitters); PubMed 31396961 (cited by 3 submitters); PubMed 33293522 (cited by 5 submitters); PubMed 31191615 (cited by 5 submitters); PubMed 31343793 (cited by 3 submitters); PubMed 19043619 (cited by 3 submitters); PubMed 16685647 (cited by 5 submitters); PubMed 32522261 (cited by 4 submitters); PubMed 31853058 (cited by Color Diagnostics, LLC DBA Color Health); PubMed 33471991 (cited by 3 submitters); PubMed 30472649 (cited by Ambry Genetics and Hereditary Cancer Genetics group, Vall d'Hebron Institute of Oncology); PubMed 21523855 (cited by Quest Diagnostics Nichols Institute San Juan Capistrano).